The following is an entry in ClinVar:

NM_000313.4(PROS1):c.1843G>A (p.Val615Met)

Gene: PROS1 (protein S; minus strand). Cytogenetic location: 3q11.1.
Variant type: single nucleotide variant.
Coding change: c.1843G>A on transcript NM_000313.4 (MANE Select); coding-DNA position 1843, G replaced by A.
Protein change: p.Val615Met; replaces valine 615 with methionine.
Molecular consequence: missense variant.
Genome position (GRCh38, 1-based): chr3:93,876,993, C>T on the plus strand (G>A on the coding strand, the complement: PROS1 is on the minus strand). VCF-style: chr3-93876993-C-T. GRCh37 (hg19) VCF-style: chr3-93595837-C-T.
Other names: c.1939G>A, p.Val647Met (NM_001314077.2); short protein forms V647M, V615M.
Identifiers: ClinVar variation 3630408 (VCV003630408.2).

ClinVar aggregate classification (germline): Uncertain significance (1 of 4 stars; one submission).

Conditions:
Thrombophilia due to protein S deficiency, autosomal recessive (THPH6). Identifiers: Orphanet 743, MedGen C3281092, MONDO:0013791, OMIM 614514. Disease mechanism: loss of function.

gnomAD v4.1: 21 of 1,612,380 alleles (0.0013%); highest among the groups gnomAD compares: African/African-American, 0.025%; no homozygotes.

Submission:

Labcorp Genetics (formerly Invitae), Labcorp
Classification: Uncertain significance for Thrombophilia due to protein S deficiency, autosomal recessive. Last evaluated: 2024-08-24. Review status: criteria provided, single submitter. Criteria: Invitae Variant Classification Sherloc (09022015). Collection method: clinical testing. Allele origin: germline.
Comment: This sequence change replaces valine, which is neutral and non-polar, with methionine, which is neutral and non-polar, at codon 615 of the PROS1 protein (p.Val615Met). This variant is present in population databases (rs368612500, gnomAD 0.03%). This variant has not been reported in the literature in individuals affected with PROS1-related conditions. Invitae Evidence Modeling of protein sequence and biophysical properties (such as structural, functional, and spatial information, amino acid conservation, physicochemical variation, residue mobility, and thermodynamic stability) indicates that this missense variant is not expected to disrupt PROS1 protein function with a negative predictive value of 80%. In summary, the available evidence is currently insufficient to determine the role of this variant in disease. Therefore, it has been classified as a Variant of Uncertain Significance.